The following is an entry in ClinVar:

ClinVar aggregate classification (germline): Benign/Likely benign. Review status: criteria provided, multiple submitters, no conflicts (2 of 4 stars). 2 submissions from 2 submitters: Benign (1); Likely benign (1). Last evaluated 2025-11-12.

Conditions:
Tuberous sclerosis 1 (TSC1). Identifiers: Orphanet 805, MedGen C1854465, MONDO:0008612, OMIM 191100.

Allele frequency attached by ClinVar (database versions not stated): gnomAD exomes below 0.00001.

Submissions (2):

Myriad Genetics, Inc.
Classification: Benign for Tuberous sclerosis 1. Last evaluated: 2025-11-12. Review status: criteria provided, single submitter. Criteria: Myriad Autosomal Dominant, Autosomal Recessive and X-Linked Classification Criteria (2023). Collection method: clinical testing. Allele origin: unknown.
Comment: This variant is considered benign. This variant is intronic and is not expected to impact mRNA splicing. Homozygosity has been confirmed in one or more individuals. As homozygosity for pathogenic variants in this gene is generally assumed to result in embryonic lethality, this variant is unlikely to be pathogenic.

Labcorp Genetics (formerly Invitae), Labcorp
Classification: Likely benign for Tuberous sclerosis 1. Last evaluated: 2025-11-05. Review status: criteria provided, single submitter. Criteria: Invitae Variant Classification Sherloc (09022015). Collection method: clinical testing. Allele origin: germline.

NM_000368.5(TSC1):c.2814-18C>T

Gene: TSC1 (TSC complex subunit 1; minus strand). Cytogenetic location: 9q34.13.
Variant type: single nucleotide variant.
Coding change: c.2814-18C>T on transcript NM_000368.5 (MANE Select); 18 bases into the intron before coding-DNA position 2814, C replaced by T.
Molecular consequence: intron variant.
Genome position (GRCh38, 1-based): chr9:132,897,363, G>A on the plus strand (C>T on the coding strand, the complement: TSC1 is on the minus strand). VCF-style: chr9-132897363-G-A. GRCh37 (hg19) VCF-style: chr9-135772750-G-A.
Other names: c.2451-18C>T (NM_001362177.2); c.2661-18C>T (NM_001162427.2); c.2811-18C>T (NM_001162426.2).
Identifiers: ClinVar variation 1431427 (VCV001431427.9), dbSNP rs1588290161, ClinGen allele CA1882401051.